The following is an entry in ClinVar:

NM_007294.4(BRCA1):c.476T>G (p.Leu159Arg)

Gene: BRCA1 (BRCA1 DNA repair associated; minus strand). Cytogenetic location: 17q21.31.
Variant type: single nucleotide variant.
Coding change: c.476T>G on transcript NM_007294.4 (MANE Select); coding-DNA position 476, T replaced by G.
Protein change: p.Leu159Arg; replaces leucine 159 with arginine.
Molecular consequence: missense variant. On other transcripts: intron variant (2).
Genome position (GRCh38, 1-based): chr17:43,099,846, A>C on the plus strand (T>G on the coding strand, the complement: BRCA1 is on the minus strand). VCF-style: chr17-43099846-A-C. GRCh37 (hg19) VCF-style: chr17-41251863-A-C.
Other names: c.266T>G, p.Leu89Arg (NM_001407887.1, NM_001407889.1, NM_001407900.1 and 37 more transcripts); c.263T>G, p.Leu88Arg (NM_001407894.1, NM_001407895.1, NM_001407896.1 and 18 more transcripts); c.335T>G, p.Leu112Arg (NM_001407933.1, NM_001407935.1, NM_001407928.1 and 61 more transcripts); c.332T>G, p.Leu111Arg (NM_001407934.1, NM_001407930.1, NM_001407931.1 and 35 more transcripts); c.476T>G, p.Leu159Arg (NM_001407919.1, NM_001407581.1, NM_001407582.1 and 97 more transcripts); c.473T>G, p.Leu158Arg (NM_001407587.1, NM_001407590.1, NM_001407591.1 and 65 more transcripts); c.467T>G, p.Leu156Arg (NM_001407646.1, NM_001407647.1, NM_001408408.1); c.398T>G, p.Leu133Arg (NM_001407653.1, NM_001407654.1, NM_001407655.1 and 12 more transcripts); and 5 more; short protein forms L89R, L111R, L156R, L31R, L112R, L132R, L133R, L32R.
Identifiers: ClinVar variation 2983224 (VCV002983224.4), dbSNP rs2154529395, ClinGen allele CA10601184.

ClinVar aggregate classification (germline): Uncertain significance. Review status: criteria provided, multiple submitters, no conflicts (2 of 4 stars). 2 submissions from 2 submitters: Uncertain significance (2). Last evaluated 2024-04-05.

Conditions:
Hereditary breast ovarian cancer syndrome. Also called: Hereditary breast and ovarian cancer; Hereditary breast and ovarian cancer syndrome (HBOC); Breast and ovarian cancer; Hereditary breast and/or ovarian cancer syndrome; Hereditary breast and ovarian cancer syndrome; BRCA1- and BRCA2-Associated Hereditary Breast and Ovarian Cancer. Identifiers: Orphanet 145, MedGen C0677776, MeSH D061325, MONDO:0003582. Disease mechanism: loss of function.

Allele frequency attached by ClinVar (database versions not stated): gnomAD exomes below 0.00001.
gnomAD v4.1: 1 of 1,613,784 alleles (0.000062%); highest among the groups gnomAD compares: Non-Finnish European, 0.000085%; no homozygotes.

Submissions (2):

GeneDx
Classification: Uncertain significance. Last evaluated: 2024-04-05. Review status: criteria provided, single submitter. Criteria: GeneDx Variant Classification Process June 2021. Collection method: clinical testing. Allele origin: germline. Affected: yes.
Comment: Not observed at significant frequency in large population cohorts (gnomAD); In silico analysis supports that this missense variant has a deleterious effect on protein structure/function; Has not been previously published as pathogenic or benign to our knowledge; Also known as 595T>G; This variant is associated with the following publications: (PMID: 20215511)

Labcorp Genetics (formerly Invitae), Labcorp
Classification: Uncertain significance for Hereditary breast ovarian cancer syndrome. Last evaluated: 2022-12-04. Review status: criteria provided, single submitter. Criteria: Invitae Variant Classification Sherloc (09022015). Collection method: clinical testing. Allele origin: germline.
Comment: In summary, the available evidence is currently insufficient to determine the role of this variant in disease. Therefore, it has been classified as a Variant of Uncertain Significance. Advanced modeling of protein sequence and biophysical properties (such as structural, functional, and spatial information, amino acid conservation, physicochemical variation, residue mobility, and thermodynamic stability) performed at Invitae indicates that this missense variant is not expected to disrupt BRCA1 protein function. This variant has not been reported in the literature in individuals affected with BRCA1-related conditions. This variant is not present in population databases (gnomAD no frequency). This sequence change replaces leucine, which is neutral and non-polar, with arginine, which is basic and polar, at codon 159 of the BRCA1 protein (p.Leu159Arg).